The following is an entry in ClinVar:

NM_001177693.2(ARHGEF28):c.1865C>A (p.Thr622Asn)

Gene: ARHGEF28 (Rho guanine nucleotide exchange factor 28; plus strand). Cytogenetic location: 5q13.2.
Variant type: single nucleotide variant.
Coding change: c.1865C>A on transcript NM_001177693.2 (MANE Select); coding-DNA position 1865, C replaced by A.
Protein change: p.Thr622Asn; replaces threonine 622 with asparagine.
Molecular consequence: missense variant.
Genome position (GRCh38, 1-based): chr5:73,857,730, C>A. VCF-style: chr5-73857730-C-A. GRCh37 (hg19) VCF-style: chr5-73153555-C-A.
Other names: c.1865C>A, p.Thr622Asn (NM_001080479.3, NM_001388078.1); c.926C>A, p.Thr309Asn (NM_001244364.2); c.1571C>A, p.Thr524Asn (NM_001388076.1); short protein forms T309N, T622N, T524N.
Identifiers: ClinVar variation 2559762 (VCV002559762.5), dbSNP rs200317068, ClinGen allele CA3304666.

ClinVar aggregate classification (germline): Uncertain significance. Review status: criteria provided, multiple submitters, no conflicts (2 of 4 stars). 3 submissions from 3 submitters: Uncertain significance (2). 1 of the submissions does not count toward it. Last evaluated 2025-06-03.

Conditions:
Meniere disease. Also called: Ménière's disease. Identifiers: MedGen C0025281, MONDO:0007972, OMIM 156000.
ARHGEF28-related disorder. Also called: ARHGEF28-related condition.

Allele frequency attached by ClinVar (database versions not stated): gnomAD 0.00006; ExAC 0.00007; TOPMed 0.00009; ESP Exome Variant Server 0.00017; gnomAD exomes 0.00018.
gnomAD v4.1: 285 of 1,612,754 alleles (0.018%); highest among the groups gnomAD compares: Non-Finnish European, 0.023%; no homozygotes.

Submissions (3):

Ambry Genetics
Classification: Uncertain significance. Last evaluated: 2025-06-03. Review status: criteria provided, single submitter. Criteria: Ambry Variant Classification Scheme 2023. Collection method: clinical testing. Allele origin: germline.

PreventionGenetics, part of Exact Sciences
Classification: Uncertain significance for ARHGEF28-related condition. Last evaluated: 2023-02-03. Review status: criteria provided, single submitter. Criteria: ACMG Guidelines, 2015. Collection method: clinical testing. Allele origin: germline.
Comment: The ARHGEF28 c.1865C>A variant is predicted to result in the amino acid substitution p.Thr622Asn. To our knowledge, this variant has not been reported in the literature. This variant is reported in 0.011% of alleles in individuals of European (Non-Finnish) descent in gnomAD. At this time, the clinical significance of this variant is uncertain due to the absence of conclusive functional and genetic evidence.

Center for Computational Biology & Bioinformatics, University of California, San Diego
Classification: Uncertain significance for Meniere disease. Last evaluated: 2024-06-03. Review status: no assertion criteria provided. Collection method: research. Allele origin: germline. Affected: yes. Not counted in ClinVar's aggregate classification.